The following is an entry in ClinVar:

ClinVar aggregate classification (germline): Uncertain significance. Review status: criteria provided, multiple submitters, no conflicts (2 of 4 stars). 3 submissions from 3 submitters: Uncertain significance (3). Last evaluated 2024-02-22.

Conditions:
Donnai-Barrow syndrome. Also called: DBS/FOAR SYNDROME; FACIOOCULOACOUSTICORENAL SYNDROME. Identifiers: Orphanet 2143, MedGen C1857277, MONDO:0009104, OMIM 222448.

Allele frequency attached by ClinVar (database versions not stated): gnomAD exomes below 0.00001 and 0.00001; gnomAD 0.00006 and 0.00007; TOPMed 0.00012.
gnomAD v4.1: 18 of 1,614,100 alleles (0.0011%); highest among the groups gnomAD compares: Admixed American, 0.023%; no homozygotes.

Submissions (3):

Fulgent Genetics
Classification: Uncertain significance for Donnai-Barrow syndrome. Last evaluated: 2024-02-22. Review status: criteria provided, single submitter. Criteria: ACMG Guidelines, 2015. Collection method: clinical testing. Allele origin: germline.

Labcorp Genetics (formerly Invitae), Labcorp
Classification: Uncertain significance. Last evaluated: 2022-11-01. Review status: criteria provided, single submitter. Criteria: Invitae Variant Classification Sherloc (09022015). Collection method: clinical testing. Allele origin: germline.
Comment: This sequence change replaces asparagine, which is neutral and polar, with aspartic acid, which is acidic and polar, at codon 1064 of the LRP2 protein (p.Asn1064Asp). This variant is present in population databases (no rsID available, gnomAD no frequency). This variant has not been reported in the literature in individuals affected with LRP2-related conditions. ClinVar contains an entry for this variant (Variation ID: 1436608). Algorithms developed to predict the effect of missense changes on protein structure and function are either unavailable or do not agree on the potential impact of this missense change (SIFT: "Tolerated"; PolyPhen-2: "Possibly Damaging"; Align-GVGD: "Class C0"). In summary, the available evidence is currently insufficient to determine the role of this variant in disease. Therefore, it has been classified as a Variant of Uncertain Significance.

Revvity Omics, Revvity
Classification: Uncertain significance for Donnai-Barrow syndrome. Last evaluated: 2020-10-01. Review status: criteria provided, single submitter. Criteria: ACMG Guidelines, 2015. Collection method: clinical testing. Allele origin: germline.

NM_004525.3(LRP2):c.3190A>G (p.Asn1064Asp)

Gene: LRP2 (LDL receptor related protein 2; minus strand). Cytogenetic location: 2q31.1.
Variant type: single nucleotide variant.
Coding change: c.3190A>G on transcript NM_004525.3 (MANE Select); coding-DNA position 3190, A replaced by G.
Protein change: p.Asn1064Asp; replaces asparagine 1064 with aspartic acid.
Molecular consequence: missense variant.
Genome position (GRCh38, 1-based): chr2:169,246,705, T>C on the plus strand (A>G on the coding strand, the complement: LRP2 is on the minus strand). VCF-style: chr2-169246705-T-C. GRCh37 (hg19) VCF-style: chr2-170103215-T-C.
Other names: c.3190A>G (NM_004525.2); short protein forms N1064D.
Identifiers: ClinVar variation 1436608 (VCV001436608.7), dbSNP rs916737558, ClinGen allele CA59919223.